The following is an entry in ClinVar:

NM_000455.5(STK11):c.621C>A (p.Asp207Glu)

Gene: STK11 (serine/threonine kinase 11; plus strand). Cytogenetic location: 19p13.3.
Variant type: single nucleotide variant.
Coding change: c.621C>A on transcript NM_000455.5 (MANE Select); coding-DNA position 621, C replaced by A.
Protein change: p.Asp207Glu; replaces aspartic acid 207 with glutamic acid.
Molecular consequence: missense variant. On other transcripts: non-coding transcript variant (1).
Genome position (GRCh38, 1-based): chr19:1,220,604, C>A. VCF-style: chr19-1220604-C-A. GRCh37 (hg19) VCF-style: chr19-1220603-C-A.
Other names: c.621C>A, p.Asp207Glu (NM_001407255.1); short protein forms D207E.
Identifiers: ClinVar variation 2691400 (VCV002691400.1), dbSNP rs569380138, ClinGen allele CA402949477.

ClinVar aggregate classification (germline): Uncertain significance (1 of 4 stars; one submission).

Submission:

Women's Health and Genetics/Laboratory Corporation of America, LabCorp
Classification: Uncertain significance. Last evaluated: 2023-12-26. Review status: criteria provided, single submitter. Criteria: LabCorp Variant Classification Summary - May 2015. Collection method: clinical testing. Allele origin: germline.
Comment: Variant summary: STK11 c.621C>A (p.Asp207Glu) results in a conservative amino acid change in the encoded protein sequence. Four of five in-silico tools predict a benign effect of the variant on protein function. The variant was absent in 214146 control chromosomes (gnomAD). The available data on variant occurrences in the general population are insufficient to allow any conclusion about variant significance. To our knowledge, no occurrence of c.621C>A in individuals affected with Peutz-Jeghers Syndrome and no experimental evidence demonstrating its impact on protein function have been reported. No submitters have cited clinical-significance assessments for this variant to ClinVar after 2014. Based on the evidence outlined above, the variant was classified as uncertain significance.